The following is an entry in ClinVar:

NM_000891.3(KCNJ2):c.407C>T (p.Ser136Phe)

Gene: KCNJ2 (potassium inwardly rectifying channel subfamily J member 2; plus strand). Cytogenetic location: 17q24.3.
Variant type: single nucleotide variant.
Coding change: c.407C>T on transcript NM_000891.3 (MANE Select); coding-DNA position 407, C replaced by T.
Protein change: p.Ser136Phe; replaces serine 136 with phenylalanine.
Molecular consequence: missense variant.
Genome position (GRCh38, 1-based): chr17:70,175,446, C>T. VCF-style: chr17-70175446-C-T. GRCh37 (hg19) VCF-style: chr17-68171587-C-T.
Other names: c.407C>T (LRG_328t1); short protein forms S136F.
Identifiers: ClinVar variation 67572 (VCV000067572.2), dbSNP rs199473376, ClinGen allele CA329663.

ClinVar aggregate classification (germline): Pathogenic. Review status: criteria provided, single submitter (1 of 4 stars). 2 submissions from 2 submitters: Pathogenic (1). 1 of the submissions does not count toward it. Last evaluated 2024-06-25.

Conditions:
Familial long QT syndrome (RWS). Also called: Congenital long QT syndrome; Romano-Ward syndrome; VENTRICULAR FIBRILLATION WITH PROLONGED QT INTERVAL. Identifiers: Orphanet 768, MedGen C1141890, MONDO:0019171.

Submissions (2):

GeneDx
Classification: Pathogenic. Last evaluated: 2024-06-25. Review status: criteria provided, single submitter. Criteria: GeneDx Variant Classification Process June 2021. Collection method: clinical testing. Allele origin: germline. Affected: yes.
Comment: Published functional studies demonstrate significant reduction in current across multiple voltages and a dominant loss-of-function phenotype (PMID: 12163457); Not observed at significant frequency in large population cohorts (gnomAD); In silico analysis supports that this missense variant has a deleterious effect on protein structure/function; This variant is associated with the following publications: (PMID: 12909315, 22002906, 14522976, 12163457, 11371347)

Cardiovascular Biomedical Research Unit, Royal Brompton & Harefield NHS Foundation Trust
No classification provided. Condition: Familial long QT syndrome. Review status: no classification provided. Collection method: literature only. Allele origin: germline. Not counted in ClinVar's aggregate classification.
Comment: This variant has been reported in the following publications (PMID:11371347;PMID:12163457;PMID:12909315;PMID:22002906).

Literature cited by the submitters: PubMed 11371347 (cited by Cardiovascular Biomedical Research Unit, Royal Brompton & Harefield NHS Foundation Trust); PubMed 12163457 (cited by Cardiovascular Biomedical Research Unit, Royal Brompton & Harefield NHS Foundation Trust); PubMed 12909315 (cited by Cardiovascular Biomedical Research Unit, Royal Brompton & Harefield NHS Foundation Trust); PubMed 22002906 (cited by Cardiovascular Biomedical Research Unit, Royal Brompton & Harefield NHS Foundation Trust); PubMed 22581653 (cited by Cardiovascular Biomedical Research Unit, Royal Brompton & Harefield NHS Foundation Trust).